The following is an entry in ClinVar:

NM_001201543.2(FAM161A):c.1109del (p.Asn370fs)

Gene: FAM161A (FAM161 centrosomal protein A; minus strand). Cytogenetic location: 2p15.
Variant type: Deletion.
Coding change: c.1109del on transcript NM_001201543.2 (MANE Select); coding-DNA position 1109, one base deleted (A; older notation c.1109delA).
Protein change: p.Asn370fs; shifts the reading frame from asparagine 370.
Molecular consequence: frameshift variant. On other transcripts: non-coding transcript variant (1).
Genome position (GRCh38, 1-based): chr2:61,839,895, T deleted on the plus strand (A on the coding strand, the reverse complement: FAM161A is on the minus strand); the first of 2 consecutive T bases (chr2:61,839,895-61,839,896); deleting either gives the same sequence. VCF-style (leftmost placement, unchanged base first): chr2-61839894-AT-A. GRCh37 (hg19) VCF-style: chr2-62067029-AT-A.
Other names: c.1109del (NM_001201543.1); c.1109del, p.Asn370fs (NM_032180.3); short protein forms N370fs.
Identifiers: ClinVar variation 2675371 (VCV002675371.3), dbSNP rs777579457, ClinGen allele CA1679210.

ClinVar aggregate classification (germline): Pathogenic/Likely pathogenic. Review status: criteria provided, multiple submitters, no conflicts (2 of 4 stars). 3 submissions from 3 submitters: Pathogenic (2); Likely pathogenic (1). Last evaluated 2026-08-20.

Conditions:
Retinitis pigmentosa 28 (RP28). Identifiers: Orphanet 791, MedGen C1419614, MONDO:0011630, OMIM 606068.
Retinal dystrophy. Also called: Inherited retinal dystrophy. Identifiers: Orphanet 71862, MedGen C0854723, MeSH D058499, MONDO:0019118, HP:0000556.

Submissions (3):

Myriad Genetics, Inc.
Classification: Pathogenic for Retinitis pigmentosa 28. Last evaluated: 2026-08-20. Review status: criteria provided, single submitter. Criteria: Myriad Autosomal Dominant, Autosomal Recessive and X-Linked Classification Criteria (2023). Collection method: clinical testing. Allele origin: unknown.
Comment: NM_001201543.1(FAM161A):c.1109delA(N370Mfs*4) is a frameshift variant classified as pathogenic in the context of retinitis pigmentosa, FAM161A-related. N370Mfs*4 has been observed in a case with relevant disease (PMID: 39462066). Relevant functional assessments of this variant are not available in the literature. N370Mfs*4 has been observed in referenced population frequency databases. In summary, NM_001201543.1(FAM161A):c.1109delA(N370Mfs*4) is a frameshift variant in a gene where loss of function is a known mechanism of disease, is predicted to disrupt protein function, and has been observed more frequently in cases with the relevant disease than in healthy populations. Please note: this variant was assessed in the context of healthy population screening.

Baylor Genetics
Classification: Likely pathogenic for Retinitis pigmentosa 28. Last evaluated: 2023-07-20. Review status: criteria provided, single submitter. Criteria: ACMG Guidelines, 2015. Collection method: clinical testing. Allele origin: unknown.

Institute of Human Genetics, Univ. Regensburg, Univ. Regensburg
Classification: Pathogenic for Retinal dystrophy. Last evaluated: 2020-01-01. Review status: criteria provided, single submitter. Criteria: ACMG Guidelines, 2015. Collection method: clinical testing. Allele origin: germline. Affected: yes.

Literature cited by the submitters: PubMed 39462066 (cited by Myriad Genetics, Inc.); PubMed 31964843 (cited by Institute of Human Genetics, Univ. Regensburg, Univ. Regensburg).